The following is an entry in ClinVar:

ClinVar aggregate classification (germline): Likely benign. Review status: criteria provided, multiple submitters, no conflicts (2 of 4 stars). 3 submissions from 3 submitters: Likely benign (3). Last evaluated 2025-11-04.

Allele frequency attached by ClinVar (database versions not stated): ExAC 0.00013; 1000 Genomes Project 30x 0.00016; TOPMed 0.00018; 1000 Genomes Project 0.00020; gnomAD 0.00021; ESP Exome Variant Server 0.00023.
gnomAD v4.1: 291 of 1,614,230 alleles (0.018%); highest among the groups gnomAD compares: Middle Eastern, 0.033%; no homozygotes.

Submissions (3):

Labcorp Genetics (formerly Invitae), Labcorp
Classification: Likely benign. Last evaluated: 2025-11-04. Review status: criteria provided, single submitter. Criteria: Invitae Variant Classification Sherloc (09022015). Collection method: clinical testing. Allele origin: germline.

Blueprint Genetics
Classification: Likely benign. Last evaluated: 2024-11-01. Review status: criteria provided, single submitter. Criteria: ACMG Guidelines, 2015. Collection method: clinical testing. Allele origin: germline.

CeGaT Center for Human Genetics Tuebingen
Classification: Likely benign. Last evaluated: 2024-03-01. Review status: criteria provided, single submitter. Criteria: CeGaT Center For Human Genetics Tuebingen Variant Classification Criteria Version 2. Collection method: clinical testing. Allele origin: germline. Affected: yes. Observed: 1 variant allele.
Comment: TRRAP: BP4, BP7

NM_001375524.1(TRRAP):c.10173G>A (p.Thr3391=)

Gene: TRRAP (transformation/transcription domain associated protein; plus strand). Cytogenetic location: 7q22.1.
Variant type: single nucleotide variant.
Coding change: c.10173G>A on transcript NM_001375524.1 (MANE Select); coding-DNA position 10173, G replaced by A.
Protein change: p.Thr3391=; no amino-acid change (threonine 3391 retained).
Molecular consequence: synonymous variant.
Genome position (GRCh38, 1-based): chr7:98,994,712, G>A. VCF-style: chr7-98994712-G-A. GRCh37 (hg19) VCF-style: chr7-98592335-G-A.
Other names: c.10131G>A, p.Thr3377= (NM_001244580.2); c.10044G>A, p.Thr3348= (NM_003496.4).
Identifiers: ClinVar variation 2182276 (VCV002182276.26), dbSNP rs56282945, ClinGen allele CA4361873.